The following is an entry in ClinVar:

ClinVar aggregate classification (germline): Pathogenic. Review status: criteria provided, multiple submitters, no conflicts (2 of 4 stars). 2 submissions from 2 submitters: Pathogenic (2). Last evaluated 2025-07-05.

Conditions:
Short stature-brachydactyly-obesity-global developmental delay syndrome. Also called: Short stature, brachydactyly, intellectual developmental disability, and seizures; SHORT STATURE, BRACHYDACTYLY, IMPAIRED INTELLECTUAL DEVELOPMENT, AND SEIZURES. Identifiers: Orphanet 464288, MedGen C4310689, MONDO:0014944, OMIM 617157.

Allele frequency attached by ClinVar (database versions not stated): gnomAD exomes below 0.00001.

Submissions (2):

Labcorp Genetics (formerly Invitae), Labcorp
Classification: Pathogenic. Last evaluated: 2025-07-05. Review status: criteria provided, single submitter. Criteria: Invitae Variant Classification Sherloc (09022015). Collection method: clinical testing. Allele origin: germline.
Comment: This sequence change creates a premature translational stop signal (p.Gln323*) in the PRMT7 gene. It is expected to result in an absent or disrupted protein product. Loss-of-function variants in PRMT7 are known to be pathogenic (PMID: 26437029, 27718516). This variant is not present in population databases (gnomAD no frequency). This variant has not been reported in the literature in individuals affected with PRMT7-related conditions. ClinVar contains an entry for this variant (Variation ID: 2577129). For these reasons, this variant has been classified as Pathogenic.

Women's Health and Genetics/Laboratory Corporation of America, LabCorp
Classification: Pathogenic for Short stature-brachydactyly-obesity-global developmental delay syndrome. Last evaluated: 2023-07-12. Review status: criteria provided, single submitter. Criteria: LabCorp Variant Classification Summary - May 2015. Collection method: clinical testing. Allele origin: germline.
Comment: Variant summary: PRMT7 c.967C>T (p.Gln323X) results in a premature termination codon, predicted to cause a truncation of the encoded protein or absence of the protein due to nonsense mediated decay, which are commonly known mechanisms for disease. The variant was absent in 251204 control chromosomes. To our knowledge, no occurrence of c.967C>T in individuals affected with Short Stature, Brachydactyly, Intellectual Developmental Disability, And Seizures and no experimental evidence demonstrating its impact on protein function have been reported. No submitters have cited clinical-significance assessments for this variant to ClinVar after 2014. Based on the evidence outlined above, the variant was classified as pathogenic.

Literature cited by the submitters: PubMed 26437029 (cited by Labcorp Genetics (formerly Invitae), Labcorp); PubMed 27718516 (cited by Labcorp Genetics (formerly Invitae), Labcorp).

NM_019023.5(PRMT7):c.967C>T (p.Gln323Ter)

Gene: PRMT7 (protein arginine methyltransferase 7; plus strand). Cytogenetic location: 16q22.1.
Variant type: single nucleotide variant.
Coding change: c.967C>T on transcript NM_019023.5 (MANE Select); coding-DNA position 967, C replaced by T.
Protein change: p.Gln323Ter; replaces glutamine 323 with a stop codon.
Molecular consequence: nonsense. On other transcripts: non-coding transcript variant (12).
Genome position (GRCh38, 1-based): chr16:68,345,714, C>T. VCF-style: chr16-68345714-C-T. GRCh37 (hg19) VCF-style: chr16-68379617-C-T.
Other names: c.967C>T, p.Gln323Ter (NM_001351144.3, NM_001378018.1, NM_001290018.2 and 1 more transcripts); c.760C>T, p.Gln254Ter (NM_001378020.1); c.730C>T, p.Gln244Ter (NM_001378021.1, NM_001378022.1, NM_001378023.1); c.817C>T, p.Gln273Ter (NM_001184824.4); short protein forms Q244*, Q254*, Q273*, Q323*.
Identifiers: ClinVar variation 2577129 (VCV002577129.2), dbSNP rs2086255627, ClinGen allele CA396435608.
Genomic context (GRCh38, chr16:68,345,714, plus strand): 5'-TGACTCTGTTCTCCGTTTCAGTGGCGGGACCACTGGATGCAGTGTGTGTACTTCCTGCCA[C>T]AAGAGGAGCCTGTGGTGCAGGGCTCAGCGCTCTATCTGGTAGCCCACCACGATGACTACT-3'